The following is an entry in ClinVar:

NM_000722.4(CACNA2D1):c.1438A>C (p.Lys480Gln)

Gene: CACNA2D1 (calcium voltage-gated channel auxiliary subunit alpha2delta 1; minus strand). Cytogenetic location: 7q21.11.
Variant type: single nucleotide variant.
Coding change: c.1438A>C on transcript NM_000722.4 (MANE Select); coding-DNA position 1438, A replaced by C.
Protein change: p.Lys480Gln; replaces lysine 480 with glutamine.
Molecular consequence: missense variant.
Genome position (GRCh38, 1-based): chr7:82,007,681, T>G on the plus strand (A>C on the coding strand, the complement: CACNA2D1 is on the minus strand). VCF-style: chr7-82007681-T-G. GRCh37 (hg19) VCF-style: chr7-81636997-T-G.
Other names: c.1438A>C, p.Lys480Gln (NM_001366867.1); short protein forms K480Q.
Identifiers: ClinVar variation 4700083 (VCV004700083.1).

ClinVar aggregate classification (germline): Uncertain significance (1 of 4 stars; one submission).

Conditions:
Brugada syndrome. Also called: Sudden unexpected nocturnal death syndrome; Sudden Unexplained Death Syndrome; Sudden Unexplained Nocturnal Death Syndrome (SUNDS); Sudden unexplained nocturnal death syndrome. Identifiers: Orphanet 130, MedGen C1142166, MONDO:0015263.

Submission:

Labcorp Genetics (formerly Invitae), Labcorp
Classification: Uncertain significance for Brugada syndrome. Last evaluated: 2025-12-01. Review status: criteria provided, single submitter. Criteria: Invitae Variant Classification Sherloc (09022015). Collection method: clinical testing. Allele origin: germline.
Comment: This sequence change replaces lysine, which is basic and polar, with glutamine, which is neutral and polar, at codon 480 of the CACNA2D1 protein (p.Lys480Gln). This variant is not present in population databases (gnomAD no frequency). This variant has not been reported in the literature in individuals affected with CACNA2D1-related conditions. An algorithm developed to predict the effect of missense changes on protein structure and function (PolyPhen-2) suggests that this variant is likely to be tolerated. In summary, the available evidence is currently insufficient to determine the role of this variant in disease. Therefore, it has been classified as a Variant of Uncertain Significance.